The following is an entry in ClinVar:

NM_002471.4(MYH6):c.3923T>G (p.Leu1308Arg)

Gene: MYH6 (myosin heavy chain 6; minus strand). Cytogenetic location: 14q11.2.
Variant type: single nucleotide variant.
Coding change: c.3923T>G on transcript NM_002471.4 (MANE Select); coding-DNA position 3923, T replaced by G.
Protein change: p.Leu1308Arg; replaces leucine 1308 with arginine.
Molecular consequence: missense variant.
Genome position (GRCh38, 1-based): chr14:23,389,448, A>C on the plus strand (T>G on the coding strand, the complement: MYH6 is on the minus strand). VCF-style: chr14-23389448-A-C. GRCh37 (hg19) VCF-style: chr14-23858657-A-C.
Other names: short protein forms L1308R.
Identifiers: ClinVar variation 537963 (VCV000537963.14), dbSNP rs776486154, ClinGen allele CA7115016.

ClinVar aggregate classification (germline): Uncertain significance. Review status: criteria provided, multiple submitters, no conflicts (2 of 4 stars). 4 submissions from 4 submitters: Uncertain significance (4). Last evaluated 2026-06-17.

Conditions:
MYH6-related disorder. Also called: MYH6-Related Disorders; MYH6-related condition.
Cardiovascular phenotype. Identifiers: MedGen CN230736.
Hypertrophic cardiomyopathy 14. Identifiers: MedGen C2750467, MONDO:0013197, OMIM 613251.
Dilated cardiomyopathy 1EE (CMD1EE). Identifiers: Orphanet 154, MedGen C2750466, MONDO:0013198, OMIM 613252.
Atrial septal defect 3 (ASD3). Identifiers: Orphanet 1478, MedGen C3279790, MONDO:0013567, OMIM 614089.
Hypertrophic cardiomyopathy 1 (CMH1). Also called: Familial hypertrophic cardiomyopathy 1; MYH7-Related Familial Hypertrophic Cardiomyopathy. Identifiers: MedGen C3495498, MONDO:0008647, OMIM 192600.
Sick sinus syndrome 3, susceptibility to (SSS3). Identifiers: Orphanet 166282, MedGen C3279791, MONDO:0013568, OMIM 614090.

Allele frequency attached by ClinVar (database versions not stated): gnomAD exomes 0.00001 and 0.00002; ExAC 0.00002; gnomAD 0.00005 and 0.00006; TOPMed 0.00006.
gnomAD v4.1: 32 of 1,613,708 alleles (0.002%); highest among the groups gnomAD compares: African/African-American, 0.032%; no homozygotes.

Submissions (4):

PreventionGenetics, part of Exact Sciences
Classification: Uncertain significance for MYH6-related condition. Last evaluated: 2026-06-17. Review status: criteria provided, single submitter. Criteria: ACMG Guidelines, 2015. Collection method: clinical testing. Allele origin: germline.
Comment: The MYH6 c.3923T>G variant is predicted to result in the amino acid substitution p.Leu1308Arg. To our knowledge, this variant has not been reported in individuals with MYH6-related disorders in the literature. This variant is reported in 0.024% of alleles in individuals of African descent in gnomAD. At this time, the clinical significance of this variant is uncertain due to the absence of conclusive functional and genetic evidence.

Ambry Genetics
Classification: Uncertain significance for Cardiovascular phenotype. Last evaluated: 2025-08-28. Review status: criteria provided, single submitter. Criteria: Ambry Variant Classification Scheme 2023. Collection method: clinical testing. Allele origin: germline.
Comment: The p.L1308R variant (also known as c.3923T>G), located in coding exon 26 of the MYH6 gene, results from a T to G substitution at nucleotide position 3923. The leucine at codon 1308 is replaced by arginine, an amino acid with dissimilar properties. This amino acid position is not well conserved in available vertebrate species. In addition, this alteration is predicted to be tolerated by in silico analysis. Since supporting evidence is limited at this time, the clinical significance of this alteration remains unclear.

Labcorp Genetics (formerly Invitae), Labcorp
Classification: Uncertain significance for Hypertrophic cardiomyopathy 14. Last evaluated: 2025-07-14. Review status: criteria provided, single submitter. Criteria: Invitae Variant Classification Sherloc (09022015). Collection method: clinical testing. Allele origin: germline.
Comment: This sequence change replaces leucine, which is neutral and non-polar, with arginine, which is basic and polar, at codon 1308 of the MYH6 protein (p.Leu1308Arg). This variant is present in population databases (rs776486154, gnomAD 0.02%). This variant has not been reported in the literature in individuals affected with MYH6-related conditions. ClinVar contains an entry for this variant (Variation ID: 537963). Invitae Evidence Modeling of protein sequence and biophysical properties (such as structural, functional, and spatial information, amino acid conservation, physicochemical variation, residue mobility, and thermodynamic stability) indicates that this missense variant is not expected to disrupt MYH6 protein function with a negative predictive value of 80%. In summary, the available evidence is currently insufficient to determine the role of this variant in disease. Therefore, it has been classified as a Variant of Uncertain Significance.

Fulgent Genetics
Classification: Uncertain significance for Hypertrophic cardiomyopathy 1; Hypertrophic cardiomyopathy 14; Dilated cardiomyopathy 1EE; Atrial septal defect 3; Sick sinus syndrome 3, susceptibility to. Last evaluated: 2021-10-25. Review status: criteria provided, single submitter. Criteria: ACMG Guidelines, 2015. Collection method: clinical testing. Allele origin: unknown.

Literature cited by the submitters: PubMed 32512245 (cited by Ambry Genetics).